The following is an entry in ClinVar:

NM_001365999.1(SZT2):c.4727G>A (p.Arg1576His)

Gene: SZT2 (SZT2 subunit of KICSTOR complex; plus strand). Cytogenetic location: 1p34.2.
Variant type: single nucleotide variant.
Coding change: c.4727G>A on transcript NM_001365999.1 (MANE Select); coding-DNA position 4727, G replaced by A.
Protein change: p.Arg1576His; replaces arginine 1576 with histidine.
Molecular consequence: missense variant.
Genome position (GRCh38, 1-based): chr1:43,430,742, G>A. VCF-style: chr1-43430742-G-A. GRCh37 (hg19) VCF-style: chr1-43896413-G-A.
Other names: c.4556G>A, p.Arg1519His (NM_015284.4); short protein forms R1519H, R1576H.
Identifiers: ClinVar variation 436931 (VCV000436931.27), dbSNP rs143935839, ClinGen allele CA809363.

ClinVar aggregate classification (germline): Conflicting classifications of pathogenicity. Review status: criteria provided, conflicting classifications (1 of 4 stars). 9 submissions from 9 submitters: Uncertain significance (4); Likely benign (5). Last evaluated 2026-01-25.

Conditions:
SZT2-related disorder. Also called: SZT2-related condition.
Inborn genetic diseases. Identifiers: MedGen C0950123, MeSH D030342.
Developmental and epileptic encephalopathy, 18 (DEE18). Also called: Early infantile epileptic encephalopathy 18. Identifiers: Orphanet 369894, MedGen C3809624, MONDO:0014201, OMIM 615476.

Allele frequency attached by ClinVar (database versions not stated): 1000 Genomes Project 30x 0.00078; 1000 Genomes Project 0.00080; gnomAD 0.00113 and 0.00119; ESP Exome Variant Server 0.00115; TOPMed 0.00119.
gnomAD v4.1: 359 of 1,612,696 alleles (0.022%); highest among the groups gnomAD compares: African/African-American, 0.41%; 1 homozygote.

Submissions (9):

Labcorp Genetics (formerly Invitae), Labcorp
Classification: Likely benign. Last evaluated: 2026-01-25. Review status: criteria provided, single submitter. Criteria: Invitae Variant Classification Sherloc (09022015). Collection method: clinical testing. Allele origin: germline.

Women's Health and Genetics/Laboratory Corporation of America, LabCorp
Classification: Likely benign. Last evaluated: 2025-10-29. Review status: criteria provided, single submitter. Criteria: LabCorp Variant Classification Summary - May 2015. Collection method: clinical testing. Allele origin: germline.
Comment: Variant summary: SZT2 c.4556G>A (p.Arg1519His) results in a non-conservative amino acid change in the encoded protein sequence. Algorithms developed to predict the effect of missense changes on protein structure and function are either unavailable or do not agree on the potential impact of this missense change. The variant allele was found at a frequency of 0.00025 in 249424 control chromosomes, predominantly at a frequency of 0.0035 within the African or African-American subpopulation in the gnomAD database. The observed variant frequency within African or African-American control individuals in the gnomAD database exceeds the estimated maximal expected allele frequency for disease-causing variants in SZT2. To our knowledge, no occurrence of c.4556G>A in individuals affected with SZT2-related conditions and no experimental evidence demonstrating its impact on protein function have been reported. ClinVar contains an entry for this variant (Variation ID: 436931). Based on the evidence outlined above, the variant was classified as likely benign.

PreventionGenetics, part of Exact Sciences
Classification: Likely benign for SZT2-related condition. Last evaluated: 2025-04-09. Review status: criteria provided, single submitter. Criteria: ACMG Guidelines, 2015. Collection method: clinical testing. Allele origin: germline.
Comment: This variant is classified as likely benign based on ACMG/AMP sequence variant interpretation guidelines (Richards et al. 2015 PMID: 25741868, with internal and published modifications).

ARUP Laboratories, Molecular Genetics and Genomics, ARUP Laboratories
Classification: Likely benign for Developmental and epileptic encephalopathy, 18. Last evaluated: 2025-03-13. Review status: criteria provided, single submitter. Criteria: ARUP Molecular Germline Variant Investigation Process 2024. Collection method: clinical testing. Allele origin: germline.

Blueprint Genetics
Classification: Uncertain significance. Last evaluated: 2024-11-06. Review status: criteria provided, single submitter. Criteria: ACMG Guidelines, 2015. Collection method: clinical testing. Allele origin: germline.

New York Genome Center
Classification: Uncertain significance for Developmental and epileptic encephalopathy, 18. Last evaluated: 2021-12-20. Review status: criteria provided, single submitter. Criteria: NYGC Assertion Criteria 2020. Collection method: clinical testing. Allele origin: germline. Observed: 1 heterozygote. Study: CSER-NYCKidSeq.

GeneDx
Classification: Likely benign. Last evaluated: 2021-01-19. Review status: criteria provided, single submitter. Criteria: GeneDx Variant Classification Process June 2021. Collection method: clinical testing. Allele origin: germline. Affected: yes.

Ambry Genetics
Classification: Uncertain significance for Inborn genetic diseases. Last evaluated: 2019-02-23. Review status: criteria provided, single submitter. Criteria: Ambry Variant Classification Scheme 2023. Collection method: clinical testing. Allele origin: germline.
Comment: The p.R1519H variant (also known as c.4556G>A), located in coding exon 31 of the SZT2 gene, results from a G to A substitution at nucleotide position 4556. The arginine at codon 1519 is replaced by histidine, an amino acid with highly similar properties. This amino acid position is not well conserved in available vertebrate species, and histidine is the reference amino acid in other vertebrate species. In addition, this alteration is predicted to be tolerated by in silico analysis. Since supporting evidence is limited at this time, the clinical significance of this alteration remains unclear.

Genetic Services Laboratory, University of Chicago
Classification: Uncertain significance. Last evaluated: 2016-12-27. Review status: criteria provided, single submitter. Criteria: ACMG Guidelines, 2015. Collection method: clinical testing. Allele origin: germline. Affected: no.